The following is an entry in ClinVar:

ClinVar aggregate classification (germline): Likely benign (1 of 4 stars; one submission).

Allele frequency attached by ClinVar (database versions not stated): TOPMed 0.00003 and 0.00002; gnomAD 0.00002.
gnomAD v4.1: 28 of 1,163,558 alleles (0.0024%); highest among the groups gnomAD compares: Admixed American, 0.0052%; no homozygotes.

Submission:

GeneDx
Classification: Likely benign. Last evaluated: 2016-03-11. Review status: criteria provided, single submitter. Criteria: GeneDx Variant Classification (06012015). Collection method: clinical testing. Allele origin: germline. Affected: yes.
Comment: This variant is considered likely benign or benign based on one or more of the following criteria: it is a conservative change, it occurs at a poorly conserved position in the protein, it is predicted to be benign by multiple in silico algorithms, and/or has population frequency not consistent with disease.

NM_139058.3(ARX):c.*20C>T

Gene: ARX (aristaless related homeobox; minus strand). Cytogenetic location: Xp21.3.
Variant type: single nucleotide variant.
Coding change: c.*20C>T on transcript NM_139058.3 (MANE Select); 20 bases downstream of the stop codon, C replaced by T.
Molecular consequence: 3 prime UTR variant.
Genome position (GRCh38, 1-based): chrX:25,004,650, G>A on the plus strand (C>T on the coding strand, the complement: ARX is on the minus strand). VCF-style: chrX-25004650-G-A. GRCh37 (hg19) VCF-style: chrX-25022767-G-A.
Identifiers: ClinVar variation 384395 (VCV000384395.1), dbSNP rs758087464, ClinGen allele CA16608400.